The following is an entry in ClinVar:

ClinVar aggregate classification (germline): Likely benign (1 of 4 stars; one submission).

Submission:

CeGaT Center for Human Genetics Tuebingen
Classification: Likely benign. Last evaluated: 2023-07-01. Review status: criteria provided, single submitter. Criteria: CeGaT Center For Human Genetics Tuebingen Variant Classification Criteria Version 2. Collection method: clinical testing. Allele origin: germline. Affected: yes. Observed: 1 variant allele.
Comment: NME8: PM2:Supporting, BP4, BP7

NM_016616.5(NME8):c.942A>G (p.Lys314=)

Gene: NME8 (NME/NM23 family member 8; plus strand). Cytogenetic location: 7p14.1.
Variant type: single nucleotide variant.
Coding change: c.942A>G on transcript NM_016616.5 (MANE Select); coding-DNA position 942, A replaced by G.
Protein change: p.Lys314=; no amino-acid change (lysine 314 retained).
Molecular consequence: synonymous variant.
Genome position (GRCh38, 1-based): chr7:37,876,955, A>G. VCF-style: chr7-37876955-A-G. GRCh37 (hg19) VCF-style: chr7-37916557-A-G.
Identifiers: ClinVar variation 2657385 (VCV002657385.24), dbSNP rs2483646133, ClinGen allele CA454696629.